The following is an entry in ClinVar:

ClinVar aggregate classification (germline): Uncertain significance (1 of 4 stars; one submission).

Conditions:
Marfan syndrome (MFS). Also called: Marfan syndrome type 1; Marfan's syndrome; FBN1-Related Marfan Syndrome; MARFAN SYNDROME, TYPE I; Marfan syndrome, classic. Identifiers: Orphanet 284963, Orphanet 558, MedGen C0024796, MONDO:0007947, OMIM 154700.
Familial thoracic aortic aneurysm and aortic dissection (TAAD). Also called: Thoracic aortic aneurysms and dissections. Identifiers: Orphanet 91387, MedGen C4707243, MONDO:0019625.

Submission:

Labcorp Genetics (formerly Invitae), Labcorp
Classification: Uncertain significance for Marfan syndrome; Familial thoracic aortic aneurysm and aortic dissection. Last evaluated: 2025-09-29. Review status: criteria provided, single submitter. Criteria: Invitae Variant Classification Sherloc (09022015). Collection method: clinical testing. Allele origin: germline.
Comment: This sequence change replaces serine, which is neutral and polar, with asparagine, which is neutral and polar, at codon 2660 of the FBN1 protein (p.Ser2660Asn). This variant is not present in population databases (gnomAD no frequency). This variant has not been reported in the literature in individuals affected with FBN1-related conditions. ClinVar contains an entry for this variant (Variation ID: 1349094). Invitae Evidence Modeling of protein sequence and biophysical properties (such as structural, functional, and spatial information, amino acid conservation, physicochemical variation, residue mobility, and thermodynamic stability) indicates that this missense variant is not expected to disrupt FBN1 protein function with a negative predictive value of 95%. In summary, the available evidence is currently insufficient to determine the role of this variant in disease. Therefore, it has been classified as a Variant of Uncertain Significance.

NM_000138.5(FBN1):c.7979G>A (p.Ser2660Asn)

Gene: FBN1 (fibrillin 1; minus strand). Cytogenetic location: 15q21.1.
Variant type: single nucleotide variant.
Coding change: c.7979G>A on transcript NM_000138.5 (MANE Select); coding-DNA position 7979, G replaced by A.
Protein change: p.Ser2660Asn; replaces serine 2660 with asparagine.
Molecular consequence: missense variant.
Genome position (GRCh38, 1-based): chr15:48,415,608, C>T on the plus strand (G>A on the coding strand, the complement: FBN1 is on the minus strand). VCF-style: chr15-48415608-C-T. GRCh37 (hg19) VCF-style: chr15-48707805-C-T.
Other names: short protein forms S2660N.
Identifiers: ClinVar variation 1349094 (VCV001349094.6), dbSNP rs2141214726, ClinGen allele CA392322827.